The following is an entry in ClinVar:

NM_153717.3(EVC):c.49G>A (p.Gly17Arg)

Gene: EVC (EvC ciliary complex subunit 1; plus strand). Cytogenetic location: 4p16.2.
Variant type: single nucleotide variant.
Coding change: c.49G>A on transcript NM_153717.3 (MANE Select); coding-DNA position 49, G replaced by A.
Protein change: p.Gly17Arg; replaces glycine 17 with arginine.
Molecular consequence: missense variant.
Genome position (GRCh38, 1-based): chr4:5,711,429, G>A. VCF-style: chr4-5711429-G-A. GRCh37 (hg19) VCF-style: chr4-5713156-G-A.
Other names: c.49G>A, p.Gly17Arg (NM_001306090.2, NM_001306092.2); c.49G>A (NM_153717.2); short protein forms G17R.
Identifiers: ClinVar variation 1347860 (VCV001347860.8), dbSNP rs1722991667, ClinGen allele CA356156358.

ClinVar aggregate classification (germline): Uncertain significance. Review status: criteria provided, multiple submitters, no conflicts (2 of 4 stars). 2 submissions from 2 submitters: Uncertain significance (2). Last evaluated 2025-05-17.

Conditions:
Inborn genetic diseases. Identifiers: MedGen C0950123, MeSH D030342.
Ellis-van Creveld syndrome (EVC). Also called: Chondroectodermal dysplasia; EVC-Related Ellis-van Creveld Syndrome; EVC2-Related Ellis-van Creveld Syndrome; MESOECTODERMAL DYSPLASIA. Identifiers: Orphanet 289, MedGen C0013903, MONDO:0009162, OMIM 225500.
Curry-Hall syndrome (WAD). Also called: WEYERS ACRODENTAL DYSOSTOSIS. Identifiers: Orphanet 952, MedGen C0457013, MONDO:0008673, OMIM 193530.

Allele frequency attached by ClinVar (database versions not stated): gnomAD 0.00001; TOPMed 0.00001.
gnomAD v4.1: 3 of 1,024,568 alleles (0.00029%); highest among the groups gnomAD compares: Middle Eastern, 0.047%; no homozygotes.

Submissions (2):

Ambry Genetics
Classification: Uncertain significance for Inborn genetic diseases. Last evaluated: 2025-05-17. Review status: criteria provided, single submitter. Criteria: Ambry Variant Classification Scheme 2023. Collection method: clinical testing. Allele origin: germline.

Labcorp Genetics (formerly Invitae), Labcorp
Classification: Uncertain significance for Curry-Hall syndrome; Ellis-van Creveld syndrome. Last evaluated: 2025-03-17. Review status: criteria provided, single submitter. Criteria: Invitae Variant Classification Sherloc (09022015). Collection method: clinical testing. Allele origin: germline.
Comment: This sequence change replaces glycine, which is neutral and non-polar, with arginine, which is basic and polar, at codon 17 of the EVC protein (p.Gly17Arg). This variant is not present in population databases (gnomAD no frequency). This variant has not been reported in the literature in individuals affected with EVC-related conditions. ClinVar contains an entry for this variant (Variation ID: 1347860). Invitae Evidence Modeling of protein sequence and biophysical properties (such as structural, functional, and spatial information, amino acid conservation, physicochemical variation, residue mobility, and thermodynamic stability) indicates that this missense variant is not expected to disrupt EVC protein function with a negative predictive value of 95%. In summary, the available evidence is currently insufficient to determine the role of this variant in disease. Therefore, it has been classified as a Variant of Uncertain Significance.